The following is an entry in ClinVar:

ClinVar aggregate classification (germline): Pathogenic (1 of 4 stars; one submission).

Conditions:
Epidermolysis bullosa simplex 5C, with pyloric atresia (EBS5C). Also called: Epidermolysis bullosa simplex with pyloric atresia; PLEC-Related Epidermolysis Bullosa with Pyloric Atresia; PLEC1-Related Epidermolysis Bullosa with Pyloric Atresia. Identifiers: Orphanet 158684, MedGen C2677349, MONDO:0012807, OMIM 612138.
Epidermolysis bullosa simplex 5B, with muscular dystrophy (EBS5B). Also called: Epidermolysis bullosa simplex with muscular dystrophy; EPIDERMOLYSIS BULLOSA SIMPLEX AND LIMB-GIRDLE MUSCULAR DYSTROPHY. Identifiers: Orphanet 257, MedGen C2931072, MONDO:0009181, OMIM 226670.
Epidermolysis bullosa simplex, Ogna type (EBS5A). Also called: Pidermolysis bullosa simplex 5A, Ogna type; EPIDERMOLYSIS BULLOSA SIMPLEX 5A, OGNA TYPE. Identifiers: Orphanet 79401, MedGen C0432317, MONDO:0007555, OMIM 131950.
Autosomal recessive limb-girdle muscular dystrophy type 2Q (LGMDR17). Also called: MUSCULAR DYSTROPHY, LIMB-GIRDLE, AUTOSOMAL RECESSIVE 17. Identifiers: Orphanet 254361, MedGen C3150989, MONDO:0013390, OMIM 613723.
Epidermolysis bullosa simplex with nail dystrophy (EBS5D). Identifiers: MedGen C4225309, MONDO:0014661, OMIM 616487.

Submission:

Labcorp Genetics (formerly Invitae), Labcorp
Classification: Pathogenic for Autosomal recessive limb-girdle muscular dystrophy type 2Q; Epidermolysis bullosa simplex, Ogna type; Epidermolysis bullosa simplex with nail dystrophy; Epidermolysis bullosa simplex 5C, with pyloric atresia; Epidermolysis bullosa simplex 5B, with muscular dystrophy. Last evaluated: 2022-02-03. Review status: criteria provided, single submitter. Criteria: Invitae Variant Classification Sherloc (09022015). Collection method: clinical testing. Allele origin: germline.
Comment: This variant is not present in population databases (gnomAD no frequency). This variant has not been reported in the literature in individuals affected with PLEC-related conditions. For these reasons, this variant has been classified as Pathogenic. This variant disrupts a region of the PLEC protein in which other variant(s) (p.Lys4460*) have been determined to be pathogenic (PMID: 10652002). This suggests that this is a clinically significant region of the protein, and that variants that disrupt it are likely to be disease-causing. ClinVar contains an entry for this variant (Variation ID: 1073588). This sequence change creates a premature translational stop signal (p.Ser4396*) in the PLEC gene. While this is not anticipated to result in nonsense mediated decay, it is expected to disrupt the last 179 amino acid(s) of the PLEC protein.

Literature cited by the submitters: PubMed 10652002.

NM_201384.3(PLEC):c.13106C>A (p.Ser4369Ter)

Gene: PLEC (plectin; minus strand). Cytogenetic location: 8q24.3.
Variant type: single nucleotide variant.
Coding change: c.13106C>A on transcript NM_201384.3 (MANE Select); coding-DNA position 13106, C replaced by A.
Protein change: p.Ser4369Ter; replaces serine 4369 with a stop codon.
Molecular consequence: nonsense.
Genome position (GRCh38, 1-based): chr8:143,916,715, G>T on the plus strand (C>A on the coding strand, the complement: PLEC is on the minus strand). VCF-style: chr8-143916715-G-T. GRCh37 (hg19) VCF-style: chr8-144990883-G-T.
Other names: c.13187C>A, p.Ser4396Ter (NM_000445.5); c.13064C>A, p.Ser4355Ter (NM_201378.4); c.13040C>A, p.Ser4347Ter (NM_201379.3); c.13517C>A, p.Ser4506Ter (NM_201380.4); c.13010C>A, p.Ser4337Ter (NM_201381.3); c.13106C>A, p.Ser4369Ter (NM_201382.4); c.13118C>A, p.Ser4373Ter (NM_201383.3); short protein forms S4337*, S4347*, S4355*, S4369*, S4373*, S4396*, S4506*.
Identifiers: ClinVar variation 1073588 (VCV001073588.9), dbSNP rs1554669959, ClinGen allele CA372476709.